The following is an entry in ClinVar:

ClinVar aggregate classification (germline): Pathogenic (1 of 4 stars; one submission).

Conditions:
Autosomal recessive nonsyndromic hearing loss 3. Also called: NEUROSENSORY NONSYNDROMIC RECESSIVE DEAFNESS 3. Identifiers: Orphanet 90636, MedGen C1838263, MONDO:0010860, OMIM 600316.

Submission:

Institute of Rare Diseases, West China Hospital, Sichuan University
Classification: Pathogenic for Autosomal recessive nonsyndromic hearing loss 3. Last evaluated: 2025-01-09. Review status: criteria provided, single submitter. Criteria: ClinGen HL ACMG Specifications v1. Collection method: research. Allele origin: germline. Affected: yes.
Comment: PVS1;PM3;PP1;PM2_Supporting

NM_016239.4(MYO15A):c.9207del (p.Met3070fs)

Gene: MYO15A (myosin XVA; plus strand). Cytogenetic location: 17p11.2.
Variant type: Deletion.
Coding change: c.9207del on transcript NM_016239.4 (MANE Select); coding-DNA position 9207, one base deleted (G; older notation c.9207delG).
Protein change: p.Met3070fs; shifts the reading frame from methionine 3070.
Molecular consequence: frameshift variant.
Genome position (GRCh38, 1-based): chr17:18,159,325, G deleted. VCF-style (leftmost placement, unchanged base first): chr17-18159324-AG-A. GRCh37 (hg19) VCF-style: chr17-18062638-AG-A.
Other names: short protein forms M3070fs.
Identifiers: ClinVar variation 3601415 (VCV003601415.1).